The following is an entry in ClinVar:

ClinVar aggregate classification (germline): Uncertain significance. Review status: criteria provided, multiple submitters, no conflicts (2 of 4 stars). 2 submissions from 2 submitters: Uncertain significance (2). Last evaluated 2023-07-27.

Conditions:
Muscular dystrophy-dystroglycanopathy type B5 (MDDGB5). Also called: MUSCULAR DYSTROPHY-DYSTROGLYCANOPATHY (CONGENITAL WITH OR WITHOUT IMPAIRED INTELLECTUAL DEVELOPMENT), TYPE B, 5; MUSCULAR DYSTROPHY, CONGENITAL, 1C; MUSCULAR DYSTROPHY, CONGENITAL, FKRP-RELATED. Identifiers: MedGen C1847759, MONDO:0011688, OMIM 606612.
Autosomal recessive limb-girdle muscular dystrophy type 2I. Also called: MUSCULAR DYSTROPHY-DYSTROGLYCANOPATHY (LIMB-GIRDLE), TYPE C, 5; MUSCULAR DYSTROPHY, LIMB-GIRDLE, TYPE 2I; MUSCULAR DYSTROPHY-DYSTROGLYCANOPATHY, LIMB-GIRDLE, FRKP-RELATED. Identifiers: Orphanet 34515, MedGen C1846672, MONDO:0011787, OMIM 607155.
Muscular dystrophy-dystroglycanopathy (congenital with brain and eye anomalies), type A5. Also called: WALKER-WARBURG SYNDROME OR MUSCLE-EYE-BRAIN DISEASE, FKRP-RELATED; MUSCULAR DYSTROPHY-DYSTROGLYCANOPATHY (CONGENITAL WITH BRAIN AND EYE ANOMALIES), TYPE A, 5. Identifiers: Orphanet 588, Orphanet 899, MedGen C3150413, MONDO:0013157, OMIM 613153.
Cardiovascular phenotype. Identifiers: MedGen CN230736.

Allele frequency attached by ClinVar (database versions not stated): TOPMed 0.00002.

Submissions (2):

Ambry Genetics
Classification: Uncertain significance for Cardiovascular phenotype. Last evaluated: 2023-07-27. Review status: criteria provided, single submitter. Criteria: Ambry Variant Classification Scheme 2023. Collection method: clinical testing. Allele origin: germline.
Comment: The p.T4A variant (also known as c.10A>G), located in coding exon 1 of the FKRP gene, results from an A to G substitution at nucleotide position 10. The threonine at codon 4 is replaced by alanine, an amino acid with similar properties. This amino acid position is conserved. In addition, the in silico prediction for this alteration is inconclusive. Since supporting evidence is limited at this time, the clinical significance of this alteration remains unclear.

Center for Genomics, Ann and Robert H. Lurie Children's Hospital of Chicago
Classification: Uncertain significance for Muscular dystrophy-dystroglycanopathy type B5; Autosomal recessive limb-girdle muscular dystrophy type 2I; Muscular dystrophy-dystroglycanopathy (congenital with brain and eye anomalies), type A5. Review status: criteria provided, single submitter. Criteria: ACMG Guidelines, 2015. Collection method: clinical testing. Allele origin: germline.
Comment: FKRP NM_024301.4 exon 4 p.Thr4Ala (c.10A>G): This variant has not been reported in the literature but is present in 0.008% (2/22958) of African alleles in the Genome Aggregation Database. Evolutionary conservation suggests that this variant may impact the protein; computational predictive tools suggest that this variant may not impact the protein. In summary, data on this variant is insufficient for disease classification. Therefore, the clinical significance of this variant is uncertain.

NM_024301.5(FKRP):c.10A>G (p.Thr4Ala)

Gene: FKRP (fukutin related protein; plus strand). Cytogenetic location: 19q13.32.
Variant type: single nucleotide variant.
Coding change: c.10A>G on transcript NM_024301.5 (MANE Select); coding-DNA position 10, A replaced by G.
Protein change: p.Thr4Ala; replaces threonine 4 with alanine.
Molecular consequence: missense variant.
Genome position (GRCh38, 1-based): chr19:46,755,460, A>G. VCF-style: chr19-46755460-A-G. GRCh37 (hg19) VCF-style: chr19-47258717-A-G.
Other names: c.10A>G, p.Thr4Ala (NM_001039885.3); c.10A>G (NM_024301.4); short protein forms T4A.
Identifiers: ClinVar variation 2500032 (VCV002500032.4), dbSNP rs778085300, ClinGen allele CA9532091.